The following is an entry in ClinVar:

NM_000186.4(CFH):c.*178T>A

Gene: CFH (complement factor H; plus strand). Cytogenetic location: 1q31.3.
Variant type: single nucleotide variant.
Coding change: c.*178T>A on transcript NM_000186.4 (MANE Select); 178 bases downstream of the stop codon, T replaced by A.
Molecular consequence: 3 prime UTR variant.
Genome position (GRCh38, 1-based): chr1:196,747,491, T>A. VCF-style: chr1-196747491-T-A. GRCh37 (hg19) VCF-style: chr1-196716621-T-A.
Identifiers: ClinVar variation 294529 (VCV000294529.10), dbSNP rs488738, ClinGen allele CA10609178.
Genomic context (GRCh38, chr1:196,747,491, plus strand): 5'-TGTGAAAATGTAATTATAAGCTGAGACCGGTGGCTCTCTTCTTAAAAGCACCATATTAAA[T>A]CCTGGAAAACTAACGGTTGTGTCCAGTTCATAAAATGTTTGTGGCAAGAAATTAGACGCA-3'

ClinVar aggregate classification (germline): Benign. Review status: criteria provided, multiple submitters, no conflicts (2 of 4 stars). 10 submissions from 4 submitters: Benign (10). Last evaluated 2023-04-11.

Conditions:
Age related macular degeneration 4. Identifiers: MedGen C1853147, MONDO:0012540, OMIM 610698.
Hemolytic uremic syndrome, atypical, susceptibility to, 1. Also called: AHUS, SUSCEPTIBILITY TO, 1. Identifiers: Orphanet 2134, Orphanet 90038, MedGen C2749604, MONDO:0009335, OMIM 235400. Disease mechanism: Other.
Factor H deficiency (CFHD). Also called: CFH DEFICIENCY; COMPLEMENT FACTOR H DEFICIENCY. Identifiers: Orphanet 200421, MedGen C0398777, MONDO:0012350, OMIM 609814.
CFH-Related Dense Deposit Disease / Membranoproliferative Glomerulonephritis Type II. Identifiers: MedGen CN071292.
Basal laminar drusen. Also called: DRUSEN OF BRUCH MEMBRANE; DRUSEN, CUTICULAR; DRUSEN, EARLY ADULT-ONSET, GROUPED. Identifiers: Orphanet 75376, MedGen C0730295, MONDO:0007472, OMIM 126700.

Allele frequency attached by ClinVar (database versions not stated): gnomAD exomes 0.00850; gnomAD 0.07913 and 0.08528; 1000 Genomes Project 0.08706; 1000 Genomes Project 30x 0.08885; TOPMed 0.09003.
gnomAD v4.1: 18,639 of 885,962 alleles (2.1%); highest among the groups gnomAD compares: African/African-American, 26%; 2,115 homozygotes.

Submissions (10):

Genome-Nilou Lab
Classification: Benign for Hemolytic uremic syndrome, atypical, susceptibility to, 1. Last evaluated: 2023-04-11. Review status: criteria provided, single submitter. Criteria: ACMG Guidelines, 2015. Collection method: clinical testing. Allele origin: germline. Affected: no.

Genome-Nilou Lab
Classification: Benign for Age related macular degeneration 4. Last evaluated: 2023-04-11. Review status: criteria provided, single submitter. Criteria: ACMG Guidelines, 2015. Collection method: clinical testing. Allele origin: germline. Affected: no.

Genome-Nilou Lab
Classification: Benign for Basal laminar drusen. Last evaluated: 2023-04-11. Review status: criteria provided, single submitter. Criteria: ACMG Guidelines, 2015. Collection method: clinical testing. Allele origin: germline. Affected: no.

Genome-Nilou Lab
Classification: Benign for Factor H deficiency. Last evaluated: 2023-04-11. Review status: criteria provided, single submitter. Criteria: ACMG Guidelines, 2015. Collection method: clinical testing. Allele origin: germline. Affected: no.

GeneDx
Classification: Benign. Last evaluated: 2021-05-22. Review status: criteria provided, single submitter. Criteria: GeneDx Variant Classification Process June 2021. Collection method: clinical testing. Allele origin: germline. Affected: yes.

Illumina Laboratory Services, Illumina
Classification: Benign for Basal laminar drusen. Last evaluated: 2018-01-13. Review status: criteria provided, single submitter. Criteria: ICSL Variant Classification Criteria 13 December 2019. Collection method: clinical testing. Allele origin: germline.
Comment: This variant was observed in the ICSL laboratory as part of a predisposition screen in an ostensibly healthy population. It had not been previously curated by ICSL or reported in the Human Gene Mutation Database (HGMD: prior to June 1st, 2018), and was therefore a candidate for classification through an automated scoring system. Utilizing variant allele frequency, disease prevalence and penetrance estimates, and inheritance mode, an automated score was calculated to assess if this variant is too frequent to cause the disease. Based on the score and internal cut-off values, a variant classified as benign is not then subjected to further curation. The score for this variant resulted in a classification of benign for this disease.

Illumina Laboratory Services, Illumina
Classification: Benign for Membranoproliferative glomerulonephritis with complement factor h deficiency. Last evaluated: 2018-01-13. Review status: criteria provided, single submitter. Criteria: ICSL Variant Classification Criteria 13 December 2019. Collection method: clinical testing. Allele origin: germline.
Comment: the same text as in the submission from Illumina Laboratory Services, Illumina above.

Illumina Laboratory Services, Illumina
Classification: Benign for Hemolytic uremic syndrome, atypical, susceptibility to, 1. Last evaluated: 2018-01-13. Review status: criteria provided, single submitter. Criteria: ICSL Variant Classification Criteria 13 December 2019. Collection method: clinical testing. Allele origin: germline.
Comment: the same text as in the submission from Illumina Laboratory Services, Illumina above.

Illumina Laboratory Services, Illumina
Classification: Benign for Age related macular degeneration 4. Last evaluated: 2018-01-13. Review status: criteria provided, single submitter. Criteria: ICSL Variant Classification Criteria 13 December 2019. Collection method: clinical testing. Allele origin: germline.
Comment: the same text as in the submission from Illumina Laboratory Services, Illumina above.

Breakthrough Genomics
Classification: Benign. Review status: criteria provided, single submitter. Criteria: ACMG Guidelines, 2015. Collection method: not provided. Allele origin: germline. Inheritance: Autosomal recessive inheritance. Affected: yes.